The following is an entry in ClinVar:

ClinVar aggregate classification (germline): Benign. Review status: criteria provided, multiple submitters, no conflicts (2 of 4 stars). 2 submissions from 2 submitters: Benign (2). Last evaluated 2018-06-18.

Allele frequency attached by ClinVar (database versions not stated): 1000 Genomes Project 0.61402; gnomAD 0.62765 and 0.62802; TOPMed 0.63054; gnomAD exomes 0.64955.
gnomAD v4.1: 291,830 of 453,756 alleles (64%); highest among the groups gnomAD compares: Middle Eastern, 70%; 94,823 homozygotes.

Submissions (2):

GeneDx
Classification: Benign. Last evaluated: 2018-06-18. Review status: criteria provided, single submitter. Criteria: GeneDx Variant Classification (06012015). Collection method: clinical testing. Allele origin: germline. Affected: yes.
Comment: This variant is considered likely benign or benign based on one or more of the following criteria: it is a conservative change, it occurs at a poorly conserved position in the protein, it is predicted to be benign by multiple in silico algorithms, and/or has population frequency not consistent with disease.

Breakthrough Genomics
Classification: Benign. Review status: criteria provided, single submitter. Criteria: ACMG Guidelines, 2015. Collection method: not provided. Allele origin: germline. Inheritance: Autosomal recessive inheritance. Affected: yes.

NM_004287.5(GOSR2):c.94+263A>G

Genes: GOSR2 (golgi SNAP receptor complex member 2; plus strand), LRRC37A2 (leucine rich repeat containing 37 member A2). Cytogenetic location: 17q21.32.
Variant type: single nucleotide variant.
Coding change: c.94+263A>G on transcript NM_004287.5 (MANE Select); 263 bases into the intron after coding-DNA position 94, A replaced by G.
Molecular consequence: intron variant.
Genome position (GRCh38, 1-based): chr17:46,929,847, A>G. VCF-style: chr17-46929847-A-G. GRCh37 (hg19) VCF-style: chr17-45007213-A-G.
Other names: c.94+263A>G (NM_001321133.2, NM_054022.4, NM_001330252.2 and 4 more transcripts); c.40+263A>G (NM_001363851.2, NM_001321134.2).
Identifiers: ClinVar variation 683278 (VCV000683278.2), dbSNP rs2072317, ClinGen allele CA14449719.
Genomic context (GRCh38, chr17:46,929,847, plus strand): 5'-CATTACCCCTCCACTCAACCTGACATGGCCCTATGGGAATGGAAGCGCTTGCCTCCATCT[A>G]TCTTAATCTAATTACCTAGTCCTTAGAGGAATGTACTCCATAAAAATTCAGAGATGTTTA-3'